The following is an entry in ClinVar:

NM_000059.4(BRCA2):c.5851A>G (p.Ser1951Gly)

Gene: BRCA2 (BRCA2 DNA repair associated; plus strand). Cytogenetic location: 13q13.1.
Variant type: single nucleotide variant.
Coding change: c.5851A>G on transcript NM_000059.4 (MANE Select); coding-DNA position 5851, A replaced by G.
Protein change: p.Ser1951Gly; replaces serine 1951 with glycine.
Molecular consequence: missense variant.
Genome position (GRCh38, 1-based): chr13:32,340,206, A>G. VCF-style: chr13-32340206-A-G. GRCh37 (hg19) VCF-style: chr13-32914343-A-G.
Other names: short protein forms S1951G.
Identifiers: ClinVar variation 531261 (VCV000531261.10), dbSNP rs1212547389, ClinGen allele CA387787395.

ClinVar aggregate classification (germline): Conflicting classifications of pathogenicity. Review status: criteria provided, conflicting classifications (1 of 4 stars). 3 submissions from 3 submitters: Uncertain significance (1); Likely benign (1). 1 of the submissions does not count toward it. Last evaluated 2023-03-23.

Conditions:
Breast-ovarian cancer, familial, susceptibility to, 2 (BROVCA2). Also called: BRCA2 Hereditary Breast and Ovarian Cancer. Identifiers: Orphanet 145, MedGen C2675520, MONDO:0012933, OMIM 612555. Disease mechanism: loss of function.
Hereditary breast ovarian cancer syndrome. Also called: Hereditary breast and ovarian cancer syndrome; Hereditary breast and ovarian cancer syndrome (HBOC); BRCA1- and BRCA2-Associated Hereditary Breast and Ovarian Cancer; Hereditary breast and ovarian cancer; Breast and ovarian cancer; Hereditary breast and/or ovarian cancer syndrome. Identifiers: Orphanet 145, MedGen C0677776, MeSH D061325, MONDO:0003582. Disease mechanism: loss of function.
Hereditary cancer-predisposing syndrome. Also called: Neoplastic Syndromes, Hereditary; Hereditary neoplastic syndrome; Tumor predisposition; Hereditary Cancer Syndrome. Identifiers: Orphanet 140162, MedGen C0027672, MeSH D009386, MONDO:0015356.

Allele frequency attached by ClinVar (database versions not stated): gnomAD exomes below 0.00001.
gnomAD v4.1: 1 of 1,613,878 alleles (0.000062%); highest among the groups gnomAD compares: Non-Finnish European, 0.000085%; no homozygotes.

Submissions (3):

University of Washington Department of Laboratory Medicine, University of Washington
Classification: Likely benign for Hereditary cancer-predisposing syndrome. Last evaluated: 2023-03-23. Review status: criteria provided, single submitter. Criteria: Dines et al. (Genet Med. 2020). Collection method: curation. Allele origin: germline.
Comment: Missense variant in a coldspot region where missense variants are very unlikely to be pathogenic (PMID:31911673).

BRCA2 exon 11 coldspot. Reclassification based on statistical prior probability.

Labcorp Genetics (formerly Invitae), Labcorp
Classification: Uncertain significance for Hereditary breast ovarian cancer syndrome. Last evaluated: 2017-08-27. Review status: criteria provided, single submitter. Criteria: Invitae Variant Classification Sherloc (09022015). Collection method: clinical testing. Allele origin: germline.
Comment: In summary, the available evidence is currently insufficient to determine the role of this variant in disease. Therefore, it has been classified as a Variant of Uncertain Significance. Algorithms developed to predict the effect of missense changes on protein structure and function output the following: SIFT: "Tolerated"; PolyPhen-2: "Benign"; Align-GVGD: "Class C0". The glycine amino acid residue is found in multiple mammalian species, suggesting that this missense change does not adversely affect protein function. These predictions have not been confirmed by published functional studies and their clinical significance is uncertain. This variant has not been reported in the literature in individuals with BRCA2-related disease. This variant is not present in population databases (ExAC no frequency). This sequence change replaces serine with glycine at codon 1951 of the BRCA2 protein (p.Ser1951Gly). The serine residue is weakly conserved and there is a small physicochemical difference between serine and glycine.

BRCAlab, Lund University
Classification: Uncertain significance for Breast-ovarian cancer, familial, susceptibility to, 2. Last evaluated: 2020-03-02. Review status: no assertion criteria provided. Collection method: clinical testing. Allele origin: germline. Affected: yes. Not counted in ClinVar's aggregate classification.